The following is an entry in ClinVar:

ClinVar aggregate classification (germline): Pathogenic/Likely pathogenic. Review status: criteria provided, multiple submitters, no conflicts (2 of 4 stars). 3 submissions from 3 submitters: Pathogenic (1); Likely pathogenic (2). Last evaluated 2026-01-13.

Conditions:
Holocarboxylase synthetase deficiency. Also called: MULTIPLE CARBOXYLASE DEFICIENCY, EARLY ONSET. Identifiers: Orphanet 79242, MedGen C0268581, MONDO:0009666, OMIM 253270.

Submissions (3):

Labcorp Genetics (formerly Invitae), Labcorp
Classification: Pathogenic for Holocarboxylase synthetase deficiency. Last evaluated: 2026-01-13. Review status: criteria provided, single submitter. Criteria: Invitae Variant Classification Sherloc (09022015). Collection method: clinical testing. Allele origin: germline.
Comment: This sequence change creates a premature translational stop signal (p.Cys331*) in the HLCS gene. It is expected to result in an absent or disrupted protein product. Loss-of-function variants in HLCS are known to be pathogenic (PMID: 16134170). This variant is not present in population databases (gnomAD no frequency). This variant has not been reported in the literature in individuals affected with HLCS-related conditions. ClinVar contains an entry for this variant (Variation ID: 984054). For these reasons, this variant has been classified as Pathogenic.

Baylor Genetics
Classification: Likely pathogenic for Holocarboxylase synthetase deficiency. Last evaluated: 2023-02-25. Review status: criteria provided, single submitter. Criteria: ACMG Guidelines, 2015. Collection method: clinical testing. Allele origin: unknown.

Myriad Genetics, Inc.
Classification: Likely pathogenic for Holocarboxylase synthetase deficiency. Last evaluated: 2019-07-29. Review status: criteria provided, single submitter. Criteria: Myriad Women's Health Autosomal Recessive and X-Linked Classification Criteria (2019). Collection method: clinical testing. Allele origin: unknown.
Comment: NM_000411.6(HLCS):c.993C>A(C331*) is expected to be pathogenic in the context of holocarboxylase synthetase deficiency. This variant is predicted to lead to an abnormal or absent protein product due to the creation of a premature termination codon in HLCS, a gene where loss-of-function variants are known to be pathogenic. Please note: this variant was assessed in the context of healthy population screening.

Literature cited by the submitters: PubMed 16134170 (cited by Labcorp Genetics (formerly Invitae), Labcorp).

NM_001352514.2(HLCS):c.1434C>A (p.Cys478Ter)

Gene: HLCS (holocarboxylase synthetase; minus strand). Cytogenetic location: 21q22.13.
Variant type: single nucleotide variant.
Coding change: c.1434C>A on transcript NM_001352514.2 (MANE Select); coding-DNA position 1434, C replaced by A.
Protein change: p.Cys478Ter; replaces cysteine 478 with a stop codon.
Molecular consequence: nonsense. On other transcripts: non-coding transcript variant (2).
Genome position (GRCh38, 1-based): chr21:36,936,452, G>T on the plus strand (C>A on the coding strand, the complement: HLCS is on the minus strand). VCF-style: chr21-36936452-G-T. GRCh37 (hg19) VCF-style: chr21-38308752-G-T.
Other names: c.993C>A, p.Cys331Ter (NM_000411.8, NM_001242784.3, NM_001242785.2 and 4 more transcripts); short protein forms C331*, C478*.
Identifiers: ClinVar variation 984054 (VCV000984054.5), dbSNP rs2066882139, ClinGen allele CA409911868.